The following is an entry in ClinVar:

NM_016151.4(TAOK2):c.2510A>G (p.Glu837Gly)

Gene: TAOK2 (TAO kinase 2; plus strand). Cytogenetic location: 16p11.2.
Variant type: single nucleotide variant.
Coding change: c.2510A>G on transcript NM_016151.4 (MANE Select); coding-DNA position 2510, A replaced by G.
Protein change: p.Glu837Gly; replaces glutamic acid 837 with glycine.
Molecular consequence: missense variant. On other transcripts: intron variant (2).
Genome position (GRCh38, 1-based): chr16:29,986,782, A>G. VCF-style: chr16-29986782-A-G. GRCh37 (hg19) VCF-style: chr16-29998103-A-G.
Other names: c.2232+278A>G (NM_004783.4); c.2233-62A>G (NM_001252043.2); short protein forms E837G.
Identifiers: ClinVar variation 4775258 (VCV004775258.1).
Genomic context (GRCh38, chr16:29,986,782, plus strand): 5'-TGGGGGAAGAATCAGGAGCCCCTAGTCCCAGTCCACAAAAACATGGGAGCCTGGTTGATG[A>G]GGAAGTTTGGGGTCTGCCTGAGGAGATAGAGGAGCTTAGGGTGCCCTCCCTTGTACCCCA-3'
Protein context (NP_057235.2, residues 827-847): SPQKHGSLVD[Glu837Gly]EVWGLPEEIE

ClinVar aggregate classification (germline): Uncertain significance (1 of 4 stars; one submission).

gnomAD v4.1: 3 of 1,613,686 alleles (0.00019%); highest among the groups gnomAD compares: East Asian, 0.0045%; no homozygotes.

Submission:

Labcorp Genetics (formerly Invitae), Labcorp
Classification: Uncertain significance. Last evaluated: 2025-10-08. Review status: criteria provided, single submitter. Criteria: Invitae Variant Classification Sherloc (09022015). Collection method: clinical testing. Allele origin: germline.
Comment: This sequence change replaces glutamic acid, which is acidic and polar, with glycine, which is neutral and non-polar, at codon 837 of the TAOK2 protein (p.Glu837Gly). This variant is not present in population databases (gnomAD no frequency). This variant has not been reported in the literature in individuals affected with TAOK2-related conditions. An algorithm developed to predict the effect of missense changes on protein structure and function (PolyPhen-2) suggests that this variant is likely to be tolerated. In summary, the available evidence is currently insufficient to determine the role of this variant in disease. Therefore, it has been classified as a Variant of Uncertain Significance.